The following is an entry in ClinVar:

NM_001127198.5(TMC6):c.2275A>G (p.Asn759Asp)

Gene: TMC6 (transmembrane channel like 6; minus strand). Cytogenetic location: 17q25.3.
Variant type: single nucleotide variant.
Coding change: c.2275A>G on transcript NM_001127198.5 (MANE Select); coding-DNA position 2275, A replaced by G.
Protein change: p.Asn759Asp; replaces asparagine 759 with aspartic acid.
Molecular consequence: missense variant. On other transcripts: non-coding transcript variant (4).
Genome position (GRCh38, 1-based): chr17:78,117,271, T>C on the plus strand (A>G on the coding strand, the complement: TMC6 is on the minus strand). VCF-style: chr17-78117271-T-C. GRCh37 (hg19) VCF-style: chr17-76113352-T-C.
Other names: c.2275A>G, p.Asn759Asp (NM_001321185.1, NM_001374596.1, NM_001375353.1 and 2 more transcripts); c.2095A>G, p.Asn699Asp (NM_001374593.1, NM_001374594.1); c.2275A>G (NM_007267.6); short protein forms N759D, N699D.
Identifiers: ClinVar variation 1488355 (VCV001488355.4), dbSNP rs768627239, ClinGen allele CA8795358.
Genomic context (GRCh38, chr17:78,117,271, plus strand): 5'-TCACCCTCAGGTGACCTGAGAGGGTGGGGGCTGAGAGCAGCCCAGGAGGGGCACTCACAT[T>C]GCTGATCTGCTCCTTGAGCAGGCAGATGACCTTGCGCTGGCCCCGCACCACCTGGATGTT-3'
Protein context (NP_001120670.1, residues 749-769): VICLLKEQIS[Asn759Asp]EGEDKIFLIN

ClinVar aggregate classification (germline): Uncertain significance. Review status: criteria provided, multiple submitters, no conflicts (2 of 4 stars). 2 submissions from 2 submitters: Uncertain significance (2). Last evaluated 2023-09-29.

Conditions:
Epidermodysplasia verruciformis. Identifiers: Orphanet 302, MedGen C0014522, MONDO:0009176.
Inborn genetic diseases. Identifiers: MedGen C0950123, MeSH D030342.

Allele frequency attached by ClinVar (database versions not stated): ExAC 0.00004; gnomAD exomes 0.00005 and 0.00007; TOPMed 0.00005; gnomAD 0.00007.
gnomAD v4.1: 114 of 1,613,316 alleles (0.0071%); highest among the groups gnomAD compares: Non-Finnish European, 0.0093%; no homozygotes.

Submissions (2):

Ambry Genetics
Classification: Uncertain significance for Inborn genetic diseases. Last evaluated: 2023-09-29. Review status: criteria provided, single submitter. Criteria: Ambry Variant Classification Scheme 2023. Collection method: clinical testing. Allele origin: germline.

Labcorp Genetics (formerly Invitae), Labcorp
Classification: Uncertain significance for Epidermodysplasia verruciformis. Last evaluated: 2022-07-12. Review status: criteria provided, single submitter. Criteria: Invitae Variant Classification Sherloc (09022015). Collection method: clinical testing. Allele origin: germline.
Comment: This sequence change replaces asparagine, which is neutral and polar, with aspartic acid, which is acidic and polar, at codon 759 of the TMC6 protein (p.Asn759Asp). This variant is present in population databases (rs768627239, gnomAD 0.01%). This variant has not been reported in the literature in individuals affected with TMC6-related conditions. ClinVar contains an entry for this variant (Variation ID: 1488355). Algorithms developed to predict the effect of missense changes on protein structure and function are either unavailable or do not agree on the potential impact of this missense change (SIFT: "Not Available"; PolyPhen-2: "Probably Damaging"; Align-GVGD: "Not Available"). In summary, the available evidence is currently insufficient to determine the role of this variant in disease. Therefore, it has been classified as a Variant of Uncertain Significance.